The following is an entry in ClinVar:

NM_000051.4(ATM):c.8299C>T (p.Leu2767Phe)

Genes: ATM (ATM serine/threonine kinase; plus strand), C11orf65 (chromosome 11 open reading frame 65; minus strand). Cytogenetic location: 11q22.3.
Variant type: single nucleotide variant.
Coding change: c.8299C>T on transcript NM_000051.4 (MANE Select); coding-DNA position 8299, C replaced by T.
Protein change: p.Leu2767Phe; replaces leucine 2767 with phenylalanine.
Molecular consequence: missense variant. On other transcripts: intron variant (2).
Genome position (GRCh38, 1-based): chr11:108,343,252, C>T. VCF-style: chr11-108343252-C-T. GRCh37 (hg19) VCF-style: chr11-108213979-C-T.
Other names: c.8299C>T, p.Leu2767Phe (NM_001351834.2); c.641-34181G>A (NM_001330368.2); c.695-7960G>A (NM_001351110.2); short protein forms L2767F.
Identifiers: ClinVar variation 187755 (VCV000187755.15), dbSNP rs786203975, ClinGen allele CA198487.

ClinVar aggregate classification (germline): Uncertain significance. Review status: criteria provided, multiple submitters, no conflicts (2 of 4 stars). 3 submissions from 3 submitters: Uncertain significance (3). Last evaluated 2025-09-22.

Conditions:
Hereditary cancer-predisposing syndrome. Also called: Hereditary Cancer Syndrome; Tumor predisposition; Neoplastic Syndromes, Hereditary; Hereditary neoplastic syndrome. Identifiers: Orphanet 140162, MedGen C0027672, MeSH D009386, MONDO:0015356.
Ataxia-telangiectasia syndrome (AT). Also called: ATAXIA-TELANGIECTASIA, COMPLEMENTATION GROUP A; ATAXIA-TELANGIECTASIA, FRESNO VARIANT; Ataxia-telangiectasia; Ataxia-telangiectasia, complementation group E; Cerebello-oculocutaneous telangiectasia; Immunodeficiency with ataxia telangiectasia. Identifiers: Orphanet 100, MedGen C0004135, MONDO:0008840, OMIM 208900.

Submissions (3):

Labcorp Genetics (formerly Invitae), Labcorp
Classification: Uncertain significance for Ataxia-telangiectasia syndrome. Last evaluated: 2025-09-22. Review status: criteria provided, single submitter. Criteria: Invitae Variant Classification Sherloc (09022015). Collection method: clinical testing. Allele origin: germline.
Comment: This sequence change replaces leucine, which is neutral and non-polar, with phenylalanine, which is neutral and non-polar, at codon 2767 of the ATM protein (p.Leu2767Phe). This variant is not present in population databases (gnomAD no frequency). This variant has not been reported in the literature in individuals affected with ATM-related conditions. ClinVar contains an entry for this variant (Variation ID: 187755). Invitae Evidence Modeling of protein sequence and biophysical properties (such as structural, functional, and spatial information, amino acid conservation, physicochemical variation, residue mobility, and thermodynamic stability) has been performed for this missense variant. However, the output from this modeling did not meet the statistical confidence thresholds required to predict the impact of this variant on ATM protein function. In summary, the available evidence is currently insufficient to determine the role of this variant in disease. Therefore, it has been classified as a Variant of Uncertain Significance.

GeneDx
Classification: Uncertain significance. Last evaluated: 2021-03-23. Review status: criteria provided, single submitter. Criteria: GeneDx Variant Classification Process June 2021. Collection method: clinical testing. Allele origin: germline. Affected: yes.
Comment: Not observed in large population cohorts (Lek et al., 2016); In silico analysis supports that this missense variant has a deleterious effect on protein structure/function; Has not been previously published as pathogenic or benign to our knowledge

Ambry Genetics
Classification: Uncertain significance for Hereditary cancer-predisposing syndrome. Last evaluated: 2014-12-30. Review status: criteria provided, single submitter. Criteria: Ambry Variant Classification Scheme 2023. Collection method: clinical testing. Allele origin: germline.
Comment: The p.L2767F variant (also known as c.8299C>T), located in coding exon 56 of the ATM gene, results from a C to T substitution at nucleotide position 8299. The leucine at codon 2767 is replaced by phenylalanine, an amino acid with highly similar properties. This variant was not reported in population based cohorts in the following databases: Database of Single Nucleotide Polymorphisms (dbSNP), NHLBI Exome Sequencing Project (ESP), and 1000 Genomes Project. In the ESP, this variant was not observed in 6499 samples (12998 alleles) with coverage at this position. To date, this alteration has been detected with an allele frequency of approximately 0.002% (greater than 41000 alleles tested) in our clinical cohort. This amino acid position is highly conserved in available vertebrate species. In addition, this alteration is predicted to be deleterious by in silico analysis. Since supporting evidence is limited at this time, the clinical significance of p.L2767F remains unclear.